The following is an entry in ClinVar:

NM_001206927.2(DNAH8):c.6311-2A>G

Gene: DNAH8 (dynein axonemal heavy chain 8; plus strand). Cytogenetic location: 6p21.2.
Variant type: single nucleotide variant.
Coding change: c.6311-2A>G on transcript NM_001206927.2 (MANE Select); the canonical splice acceptor site of the intron before coding-DNA position 6311, A replaced by G.
Molecular consequence: splice acceptor variant.
Genome position (GRCh38, 1-based): chr6:38,863,871, A>G. VCF-style: chr6-38863871-A-G. GRCh37 (hg19) VCF-style: chr6-38831647-A-G.
Other names: c.5660-2A>G (NM_001371.4).
Identifiers: ClinVar variation 5007053 (VCV005007053.2).

ClinVar aggregate classification (germline): Pathogenic (1 of 4 stars; one submission).

Conditions:
Spermatogenic failure 46. Identifiers: MedGen C5436799, MONDO:0033673, OMIM 619095.

gnomAD v4.1: 10 of 1,572,252 alleles (0.00064%); highest among the groups gnomAD compares: East Asian, 0.0045%; no homozygotes.

Submission:

Juno Genomics, Hangzhou Juno Genomics, Inc
Classification: Pathogenic for Spermatogenic failure 46. Review status: criteria provided, single submitter. Criteria: ACMG Guidelines, 2015. Collection method: clinical testing. Allele origin: germline.
Comment: Absent from controls (or at extremely low frequency if recessive) in Genome Aggregation Database.;Null variant in a gene where loss of function (LOF) is a known mechanism of disease.;For recessive disorders, detected in trans with a pathogenic variant.;Patient's phenotype or family history is highly specific for a disease with a single genetic etiology.